The following is an entry in ClinVar:

ClinVar aggregate classification (germline): Likely pathogenic. Review status: criteria provided, multiple submitters, no conflicts (2 of 4 stars). 3 submissions from 3 submitters: Likely pathogenic (3). Last evaluated 2025-05-06.

Conditions:
Mitochondrial trifunctional protein deficiency. Identifiers: Orphanet 746, MedGen C1969443, MONDO:0012172.

Allele frequency attached by ClinVar (database versions not stated): gnomAD exomes below 0.00001.
gnomAD v4.1: 1 of 1,461,626 alleles (0.000068%); highest among the groups gnomAD compares: Non-Finnish European, 0.000096%; no homozygotes.

Submissions (3):

Mayo Clinic Laboratories, Mayo Clinic
Classification: Likely pathogenic. Last evaluated: 2025-05-06. Review status: criteria provided, single submitter. Criteria: ACMG Guidelines, 2015. Collection method: clinical testing. Allele origin: germline. Observed: 1 variant allele.
Comment: PM2_supporting, PVS1

Baylor Genetics
Classification: Likely pathogenic for Mitochondrial trifunctional protein deficiency 1. Last evaluated: 2023-05-23. Review status: criteria provided, single submitter. Criteria: ACMG Guidelines, 2015. Collection method: clinical testing. Allele origin: unknown.

Labcorp Genetics (formerly Invitae), Labcorp
Classification: Likely pathogenic for Mitochondrial trifunctional protein deficiency. Last evaluated: 2022-08-27. Review status: criteria provided, single submitter. Criteria: Invitae Variant Classification Sherloc (09022015). Collection method: clinical testing. Allele origin: germline.
Comment: This sequence change affects a donor splice site in intron 6 of the HADHB gene. It is expected to disrupt RNA splicing. Variants that disrupt the donor or acceptor splice site typically lead to a loss of protein function (PMID: 16199547), and loss-of-function variants in HADHB are known to be pathogenic (PMID: 9259266, 12754706). This variant is present in population databases (no rsID available, gnomAD 0.0009%). In summary, the currently available evidence indicates that the variant is pathogenic, but additional data are needed to prove that conclusively. Therefore, this variant has been classified as Likely Pathogenic. Algorithms developed to predict the effect of sequence changes on RNA splicing suggest that this variant may disrupt the consensus splice site. This variant has not been reported in the literature in individuals affected with HADHB-related conditions.

Literature cited by the submitters: PubMed 16199547 (cited by Labcorp Genetics (formerly Invitae), Labcorp); PubMed 9259266 (cited by Labcorp Genetics (formerly Invitae), Labcorp); PubMed 12754706 (cited by Labcorp Genetics (formerly Invitae), Labcorp).

NM_000183.3(HADHB):c.354+2T>C

Gene: HADHB (hydroxyacyl-CoA dehydrogenase trifunctional multienzyme complex subunit beta; plus strand). Cytogenetic location: 2p23.3.
Variant type: single nucleotide variant.
Coding change: c.354+2T>C on transcript NM_000183.3 (MANE Select); the canonical splice donor site of the intron after coding-DNA position 354, T replaced by C.
Molecular consequence: splice donor variant.
Genome position (GRCh38, 1-based): chr2:26,273,752, T>C. VCF-style: chr2-26273752-T-C. GRCh37 (hg19) VCF-style: chr2-26496620-T-C.
Other names: c.288+2T>C (NM_001281513.2); c.309+2T>C (NM_001281512.2).
Identifiers: ClinVar variation 2027459 (VCV002027459.6), dbSNP rs1305784673, ClinGen allele CA346091923.